The following is an entry in ClinVar:

ClinVar aggregate classification (germline): Benign/Likely benign. Review status: criteria provided, multiple submitters, no conflicts (2 of 4 stars). 4 submissions from 4 submitters: Benign (3); Likely benign (1). Last evaluated 2024-11-26.

Conditions:
Platelet-type bleeding disorder 9 (BDPLT9). Also called: GLYCOPROTEIN Ia DEFICIENCY; GP Ia DEFICIENCY; COLLAGEN PLATELET RECEPTOR DEFICIENCY. Identifiers: Orphanet 73271, Orphanet 98886, MedGen C3280114, MONDO:0013622, OMIM 614200.

Allele frequency attached by ClinVar (database versions not stated): 1000 Genomes Project 30x 0.34244; gnomAD 0.37170 and 0.37202; TOPMed 0.37358; ESP Exome Variant Server 0.37429; ExAC 0.38473; gnomAD exomes 0.38815 and 0.39650.
gnomAD v4.1: 635,247 of 1,612,484 alleles (39%); highest among the groups gnomAD compares: Admixed American, 45%; 126,459 homozygotes.

Submissions (4):

Blueprint Genetics
Classification: Likely benign. Last evaluated: 2024-11-26. Review status: criteria provided, single submitter. Criteria: ACMG Guidelines, 2015. Collection method: clinical testing. Allele origin: germline.

GeneDx
Classification: Benign. Last evaluated: 2018-11-12. Review status: criteria provided, single submitter. Criteria: GeneDx Variant Classification Process June 2021. Collection method: clinical testing. Allele origin: germline. Affected: yes.
Comment: This variant is associated with the following publications: (PMID: 9950439)

Illumina Laboratory Services, Illumina
Classification: Benign for Platelet-type bleeding disorder 9. Last evaluated: 2018-03-06. Review status: criteria provided, single submitter. Criteria: ICSL Variant Classification Criteria 13 December 2019. Collection method: clinical testing. Allele origin: germline.
Comment: This variant was observed in the ICSL laboratory as part of a predisposition screen in an ostensibly healthy population. It had not been previously curated by ICSL or reported in the Human Gene Mutation Database (HGMD: prior to June 1st, 2018), and was therefore a candidate for classification through an automated scoring system. Utilizing variant allele frequency, disease prevalence and penetrance estimates, and inheritance mode, an automated score was calculated to assess if this variant is too frequent to cause the disease. Based on the score and internal cut-off values, a variant classified as benign is not then subjected to further curation. The score for this variant resulted in a classification of benign for this disease.

Breakthrough Genomics
Classification: Benign. Review status: criteria provided, single submitter. Criteria: ACMG Guidelines, 2015. Collection method: not provided. Allele origin: germline. Inheritance: Unknown mechanism. Affected: yes.

NM_002203.4(ITGA2):c.825G>A (p.Thr275=)

Gene: ITGA2 (integrin subunit alpha 2; plus strand). Cytogenetic location: 5q11.2.
Variant type: single nucleotide variant.
Coding change: c.825G>A on transcript NM_002203.4 (MANE Select); coding-DNA position 825, G replaced by A.
Protein change: p.Thr275=; no amino-acid change (threonine 275 retained).
Molecular consequence: synonymous variant. On other transcripts: non-coding transcript variant (5).
Genome position (GRCh38, 1-based): chr5:53,055,583, G>A. VCF-style: chr5-53055583-G-A. GRCh37 (hg19) VCF-style: chr5-52351413-G-A.
Identifiers: ClinVar variation 353744 (VCV000353744.10), dbSNP rs1062535, ClinGen allele CA3262725.